The following is an entry in ClinVar:

ClinVar aggregate classification (germline): Uncertain significance. Review status: criteria provided, multiple submitters, no conflicts (2 of 4 stars). 2 submissions from 2 submitters: Uncertain significance (2). Last evaluated 2024-10-23.

Conditions:
Inborn genetic diseases. Identifiers: MedGen C0950123, MeSH D030342.

Allele frequency attached by ClinVar (database versions not stated): ExAC 0.00003; gnomAD 0.00005; TOPMed 0.00007; ESP Exome Variant Server 0.00008.
gnomAD v4.1: 78 of 1,613,814 alleles (0.0048%); highest among the groups gnomAD compares: African/African-American, 0.015%; no homozygotes.

Submissions (2):

Labcorp Genetics (formerly Invitae), Labcorp
Classification: Uncertain significance. Last evaluated: 2024-10-23. Review status: criteria provided, single submitter. Criteria: Invitae Variant Classification Sherloc (09022015). Collection method: clinical testing. Allele origin: germline.
Comment: This sequence change replaces aspartic acid, which is acidic and polar, with asparagine, which is neutral and polar, at codon 227 of the CYP26B1 protein (p.Asp227Asn). This variant is present in population databases (rs143738797, gnomAD 0.02%). This variant has not been reported in the literature in individuals affected with CYP26B1-related conditions. ClinVar contains an entry for this variant (Variation ID: 2038910). Invitae Evidence Modeling of protein sequence and biophysical properties (such as structural, functional, and spatial information, amino acid conservation, physicochemical variation, residue mobility, and thermodynamic stability) indicates that this missense variant is not expected to disrupt CYP26B1 protein function with a negative predictive value of 95%. In summary, the available evidence is currently insufficient to determine the role of this variant in disease. Therefore, it has been classified as a Variant of Uncertain Significance.

Ambry Genetics
Classification: Uncertain significance for Inborn genetic diseases. Last evaluated: 2021-08-17. Review status: criteria provided, single submitter. Criteria: Ambry Variant Classification Scheme 2023. Collection method: clinical testing. Allele origin: germline.

NM_019885.4(CYP26B1):c.679G>A (p.Asp227Asn)

Gene: CYP26B1 (cytochrome P450 family 26 subfamily B member 1; minus strand). Cytogenetic location: 2p13.2.
Variant type: single nucleotide variant.
Coding change: c.679G>A on transcript NM_019885.4 (MANE Select); coding-DNA position 679, G replaced by A.
Protein change: p.Asp227Asn; replaces aspartic acid 227 with asparagine.
Molecular consequence: missense variant.
Genome position (GRCh38, 1-based): chr2:72,135,170, C>T on the plus strand (G>A on the coding strand, the complement: CYP26B1 is on the minus strand). VCF-style: chr2-72135170-C-T. GRCh37 (hg19) VCF-style: chr2-72362299-C-T.
Other names: c.454G>A, p.Asp152Asn (NM_001277742.2); short protein forms D152N, D227N.
Identifiers: ClinVar variation 2038910 (VCV002038910.4), dbSNP rs143738797, ClinGen allele CA1707986.
Genomic context (GRCh38, chr2:72,135,170, plus strand): 5'-CCTGCTCCTCTCCTCCCAGGCCCTGGGTGCTCACCCGCCGGTAGCCACTGAAGGGCAGGT[C>T]GACAGGCAGGGAGAAGACATTGTCCACAAACTGCTGGTAGACCTCAAAGAGGTGCCCAAG-3'
Protein context (NP_063938.1, residues 217-237): FVDNVFSLPV[Asp227Asn]LPFSGYRRGI